The following is an entry in ClinVar:

ClinVar aggregate classification (germline): Uncertain significance (1 of 4 stars; one submission).

Submission:

GeneDx
Classification: Uncertain significance. Last evaluated: 2023-11-10. Review status: criteria provided, single submitter. Criteria: GeneDx Variant Classification Process June 2021. Collection method: clinical testing. Allele origin: germline. Affected: yes.
Comment: Not observed at significant frequency in large population cohorts (gnomAD); In silico analysis supports that this missense variant has a deleterious effect on protein structure/function; Has not been previously published as pathogenic or benign to our knowledge; Variants in candidate genes are classified as variants of uncertain significance in accordance with ACMG guidelines (PMID: 25741868)

NM_002815.4(PSMD11):c.697T>A (p.Tyr233Asn)

Gene: PSMD11 (proteasome 26S subunit, non-ATPase 11; plus strand). Cytogenetic location: 17q11.2.
Variant type: single nucleotide variant.
Coding change: c.697T>A on transcript NM_002815.4 (MANE Select); coding-DNA position 697, T replaced by A.
Protein change: p.Tyr233Asn; replaces tyrosine 233 with asparagine.
Molecular consequence: missense variant.
Genome position (GRCh38, 1-based): chr17:32,473,854, T>A. VCF-style: chr17-32473854-T-A. GRCh37 (hg19) VCF-style: chr17-30800872-T-A.
Other names: c.697T>A, p.Tyr233Asn (NM_001270482.2); short protein forms Y233N.
Identifiers: ClinVar variation 3363931 (VCV003363931.1).